The following is an entry in ClinVar:

NM_003072.5(SMARCA4):c.2592C>T (p.Ile864=)

Gene: SMARCA4 (SWI/SNF related BAF chromatin remodeling complex subunit ATPase 4; plus strand). Cytogenetic location: 19p13.2.
Variant type: single nucleotide variant.
Coding change: c.2592C>T on transcript NM_003072.5 (MANE Select); coding-DNA position 2592, C replaced by T.
Protein change: p.Ile864=; no amino-acid change (isoleucine 864 retained).
Molecular consequence: synonymous variant. On other transcripts: non-coding transcript variant (1).
Genome position (GRCh38, 1-based): chr19:11,019,677, C>T. VCF-style: chr19-11019677-C-T. GRCh37 (hg19) VCF-style: chr19-11130353-C-T.
Other names: c.2592C>T, p.Ile864= (NM_001128844.3, NM_001128845.2, NM_001128846.2 and 5 more transcripts).
Identifiers: ClinVar variation 537866 (VCV000537866.16), dbSNP rs1555777815, ClinGen allele CA505490266.

ClinVar aggregate classification (germline): Benign/Likely benign. Review status: criteria provided, multiple submitters, no conflicts (2 of 4 stars). 3 submissions from 3 submitters: Benign (1); Likely benign (2). Last evaluated 2026-07-13.

Conditions:
Rhabdoid tumor predisposition syndrome 2 (RTPS2). Identifiers: Orphanet 231108, Orphanet 69077, MedGen C2750074, MONDO:0013224, OMIM 613325.
Hereditary cancer-predisposing syndrome. Also called: Tumor predisposition; Neoplastic Syndromes, Hereditary; Hereditary Cancer Syndrome; Hereditary neoplastic syndrome. Identifiers: Orphanet 140162, MedGen C0027672, MeSH D009386, MONDO:0015356.

Allele frequency attached by ClinVar (database versions not stated): gnomAD exomes 0.00001.
gnomAD v4.1: 16 of 1,613,134 alleles (0.00099%); highest among the groups gnomAD compares: Non-Finnish European, 0.0014%; no homozygotes.

Submissions (3):

Myriad Genetics, Inc.
Classification: Benign for Rhabdoid tumor predisposition syndrome 2. Last evaluated: 2026-07-13. Review status: criteria provided, single submitter. Criteria: Myriad Autosomal Dominant, Autosomal Recessive and X-Linked Classification Criteria (2023). Collection method: clinical testing. Allele origin: unknown.
Comment: This variant is considered benign. This variant is a silent/synonymous amino acid change and it is not expected to impact splicing.

Labcorp Genetics (formerly Invitae), Labcorp
Classification: Likely benign for Rhabdoid tumor predisposition syndrome 2. Last evaluated: 2022-07-05. Review status: criteria provided, single submitter. Criteria: Invitae Variant Classification Sherloc (09022015). Collection method: clinical testing. Allele origin: germline.

Ambry Genetics
Classification: Likely benign for Hereditary cancer-predisposing syndrome. Last evaluated: 2019-01-10. Review status: criteria provided, single submitter. Criteria: Ambry Variant Classification Scheme 2023. Collection method: clinical testing. Allele origin: germline.